The following is an entry in ClinVar:

NM_001164508.2(NEB):c.9775C>T (p.Arg3259Ter)

Gene: NEB (nebulin; minus strand). Cytogenetic location: 2q23.3.
Variant type: single nucleotide variant.
Coding change: c.9775C>T on transcript NM_001164508.2 (MANE Select); coding-DNA position 9775, C replaced by T.
Protein change: p.Arg3259Ter; replaces arginine 3259 with a stop codon.
Molecular consequence: nonsense.
Genome position (GRCh38, 1-based): chr2:151,629,595, G>A on the plus strand (C>T on the coding strand, the complement: NEB is on the minus strand). VCF-style: chr2-151629595-G-A. GRCh37 (hg19) VCF-style: chr2-152486109-G-A.
Other names: NM_001164508.2(NEB):c.9775C>T; p.Arg3259Ter; c.9775C>T, p.Arg3259Ter (NM_001164507.2, NM_001271208.2); c.9046C>T, p.Arg3016Ter (NM_004543.5); short protein forms R3016*, R3259*.
Identifiers: ClinVar variation 950734 (VCV000950734.13), dbSNP rs1301228529, ClinGen allele CA348798091.

ClinVar aggregate classification (germline): Pathogenic/Likely pathogenic. Review status: criteria provided, multiple submitters, no conflicts (2 of 4 stars). 6 submissions from 6 submitters: Pathogenic (3); Likely pathogenic (3). Last evaluated 2025-11-10.

Conditions:
Nemaline myopathy 2 (NEM2). Also called: Nemaline myopathy 2, autosomal recessive. Identifiers: MedGen C1850569, MONDO:0009725, OMIM 256030.
Arthrogryposis multiplex congenita 6. Identifiers: MedGen C5543431, MONDO:0030281, OMIM 619334.
Nemaline myopathy. Also called: Myopathies, Nemaline. Identifiers: Orphanet 607, MedGen C0206157, MONDO:0018958.

Allele frequency attached by ClinVar (database versions not stated): gnomAD exomes below 0.00001.
gnomAD v4.1: 7 of 1,613,702 alleles (0.00043%); highest among the groups gnomAD compares: South Asian, 0.0011%; no homozygotes.

Submissions (6):

Labcorp Genetics (formerly Invitae), Labcorp
Classification: Pathogenic for Nemaline myopathy 2. Last evaluated: 2025-11-10. Review status: criteria provided, single submitter. Criteria: Invitae Variant Classification Sherloc (09022015). Collection method: clinical testing. Allele origin: germline.
Comment: This sequence change creates a premature translational stop signal (p.Arg3259*) in the NEB gene. It is expected to result in an absent or disrupted protein product. Loss-of-function variants in NEB are known to be pathogenic (PMID: 25205138). This variant is present in population databases (no rsID available, gnomAD 0.0009%). This variant has not been reported in the literature in individuals affected with NEB-related conditions. ClinVar contains an entry for this variant (Variation ID: 950734). For these reasons, this variant has been classified as Pathogenic.

Natera, Inc.
Classification: Likely pathogenic for Nemaline myopathy type 2. Last evaluated: 2025-11-10. Review status: criteria provided, single submitter. Criteria: Natera Variant Classification Schema (03/2026). Collection method: clinical testing. Allele origin: germline.
Comment: The c.9775C>T variant in NEB is a nonsense variant predicted to introduce a stop codon at amino acid 3259. This variant is expected to result in nonsense mediated decay, truncation, or a dysfunctional protein product. This variant is rare in the general population with a frequency below the threshold expected for the associated phenotype(s). Given the available evidence, this variant is classified as Likely Pathogenic.

Broad Center for Mendelian Genomics, Broad Institute of MIT and Harvard
Classification: Pathogenic for Nemaline myopathy. Last evaluated: 2025-03-17. Review status: criteria provided, single submitter. Criteria: ACMG Guidelines, 2015. Collection method: curation. Allele origin: germline. Inheritance: Autosomal recessive inheritance.
Comment: The p.Arg3259Ter variant in NEB has been reported, in the compound heterozygous state, in one individual with nemaline myopathy (Lee et al. 2017), and has been identified in 0.001% (1/86256) of South Asian chromosomes by the Genome Aggregation Database (gnomAD; dbSNP ID: rs1301228529). Although this variant has been seen in the general population in a heterozygous state, its frequency is low enough to be consistent with a recessive carrier frequency. This variant has also been reported in ClinVar (Variation ID: 950734) and has been interpreted as pathogenic by Invitae. This nonsense variant leads to a premature termination codon at position 3259, which is predicted to lead to a truncated or absent protein. Loss of function of the NEB gene is an established disease mechanism in autosomal recessive nemaline myopathy. In summary, this variant meets criteria to be classified as pathogenic for autosomal recessive nemaline myopathy. ACMG/AMP Criteria applied: PVS1, PM2_supporting, PM3_supporting (Richards 2015).

Baylor Genetics
Classification: Pathogenic for Arthrogryposis multiplex congenita 6. Last evaluated: 2024-03-21. Review status: criteria provided, single submitter. Criteria: ACMG Guidelines, 2015. Collection method: clinical testing. Allele origin: unknown.

Revvity Omics, Revvity
Classification: Likely pathogenic. Last evaluated: 2024-03-20. Review status: criteria provided, single submitter. Criteria: ACMG Guidelines, 2015. Collection method: clinical testing. Allele origin: germline.

Fulgent Genetics
Classification: Likely pathogenic for Nemaline myopathy 2; Arthrogryposis multiplex congenita 6. Last evaluated: 2024-02-13. Review status: criteria provided, single submitter. Criteria: ACMG Guidelines, 2015. Collection method: clinical testing. Allele origin: germline.

Literature cited by the submitters: PubMed 25205138 (cited by Labcorp Genetics (formerly Invitae), Labcorp).